The following is an entry in ClinVar:

ClinVar aggregate classification (germline): Pathogenic. Review status: reviewed by expert panel (3 of 4 stars). 20 submissions from 20 submitters: Pathogenic (1). 19 of the submissions do not count toward it. Last evaluated 2016-09-08.

Conditions:
Hereditary cancer-predisposing syndrome. Also called: Neoplastic Syndromes, Hereditary; Tumor predisposition; Hereditary Cancer Syndrome; Hereditary neoplastic syndrome. Identifiers: Orphanet 140162, MedGen C0027672, MeSH D009386, MONDO:0015356.
Hereditary breast ovarian cancer syndrome. Also called: Hereditary breast and ovarian cancer; Breast and ovarian cancer; Hereditary breast and/or ovarian cancer syndrome; Hereditary breast and ovarian cancer syndrome (HBOC); Hereditary breast and ovarian cancer syndrome; BRCA1- and BRCA2-Associated Hereditary Breast and Ovarian Cancer. Identifiers: Orphanet 145, MedGen C0677776, MeSH D061325, MONDO:0003582. Disease mechanism: loss of function.
Breast-ovarian cancer, familial, susceptibility to, 1 (BROVCA1). Also called: OVARIAN CANCER, SUSCEPTIBILITY TO; BRCA1 Hereditary Breast and Ovarian Cancer. Identifiers: Orphanet 145, MedGen C2676676, MONDO:0011450, OMIM 604370. Disease mechanism: loss of function.

Allele frequency attached by ClinVar (database versions not stated): gnomAD exomes below 0.00001.
gnomAD v4.1: 1 of 1,614,058 alleles (0.000062%); highest among the groups gnomAD compares: East Asian, 0.0022%; no homozygotes.

Submissions 1 to 11 of 20:

Evidence-based Network for the Interpretation of Germline Mutant Alleles (ENIGMA)
Classification: Pathogenic for Breast-ovarian cancer, familial, susceptibility to, 1. Last evaluated: 2016-09-08. Review status: reviewed by expert panel. Criteria: ENIGMA BRCA1/2 Classification Criteria (2015). Collection method: curation. Allele origin: germline.
Comment: Variant allele predicted to encode a truncated non-functional protein.

Ambry Genetics
Classification: Pathogenic for Hereditary cancer-predisposing syndrome. Last evaluated: 2025-06-11. Review status: criteria provided, single submitter. Criteria: Ambry Variant Classification Scheme 2023. Collection method: clinical testing. Allele origin: germline. Not counted in ClinVar's aggregate classification.
Comment: The p.Q494* pathogenic mutation (also known as c.1480C>T), located in coding exon 9 of the BRCA1 gene, results from a C to T substitution at nucleotide position 1480. This changes the amino acid from a glutamine to a stop codon within coding exon 9. This alteration has been detected in multiple individuals with personal and/or family histories suggestive of hereditary breast and ovarian cancer (HBOC) syndrome (Peyrat JP et al. Eur. J. Cancer Prev. 1998 Feb;7 Suppl 1:S7-12; Kim H et al. Breast Cancer Res. Treat. 2012 Aug;134:1315-26; Park B et al. Breast Cancer Res. Treat. 2017 May;163:139-150; Kang E et al. Breast Cancer Res. Treat. 2015 May;151:157-68; Lesueur F et al. Front Oncol, 2018 Oct;8:490). This variant is considered to be rare based on population cohorts in the Genome Aggregation Database (gnomAD). In addition to the clinical data presented in the literature, this alteration is expected to result in loss of function by premature protein truncation or nonsense-mediated mRNA decay. As such, this alteration is interpreted as a disease-causing mutation.

Molecular Pathology, Peter Maccallum Cancer Centre
Classification: Pathogenic for Breast-ovarian cancer, familial, susceptibility to, 1. Last evaluated: 2025-02-20. Review status: criteria provided, single submitter. Criteria: ACMG Guidelines, 2015. Collection method: clinical testing. Allele origin: germline. Inheritance: Autosomal dominant inheritance. Not counted in ClinVar's aggregate classification.

Labcorp Genetics (formerly Invitae), Labcorp
Classification: Pathogenic for Hereditary breast ovarian cancer syndrome. Last evaluated: 2025-01-26. Review status: criteria provided, single submitter. Criteria: Invitae Variant Classification Sherloc (09022015). Collection method: clinical testing. Allele origin: germline. Not counted in ClinVar's aggregate classification.
Comment: This sequence change creates a premature translational stop signal (p.Gln494*) in the BRCA1 gene. It is expected to result in an absent or disrupted protein product. Loss-of-function variants in BRCA1 are known to be pathogenic (PMID: 20104584). This variant is not present in population databases (gnomAD no frequency). This premature translational stop signal has been observed in individual(s) with breast and ovarian cancer (PMID: 10866029, 25066507, 25863477, 26187060). This variant is also known as 1599C>T. ClinVar contains an entry for this variant (Variation ID: 37415). For these reasons, this variant has been classified as Pathogenic.

Color Diagnostics, LLC DBA Color Health
Classification: Pathogenic for Hereditary cancer-predisposing syndrome. Last evaluated: 2024-12-23. Review status: criteria provided, single submitter. Criteria: ACMG Guidelines, 2015. Collection method: clinical testing. Allele origin: germline. Not counted in ClinVar's aggregate classification.
Comment: This variant changes 1 nucleotide in exon 10 of the BRCA1 gene, creating a premature translation stop signal. This variant is expected to result in an absent or non-functional protein product. This variant has been reported in individuals affected with breast and ovarian cancer (PMID: 10866029, 22798144, 25066507, 25256924, 25863477, 26187060, 28205045). This variant has been detected in a breast cancer case-control meta-analysis in 1/60466 cases and 1/53461 unaffected individuals (PMID: 33471991; Leiden Open Variation Database DB-ID BRCA1_001793). A multifactorial analysis has reported a likelihood ratio for pathogenicity based on personal and family history of 2.056 from log(LR)=0.31308645 for two carriers (PMID: 31853058). This variant has not been identified in the general population by the Genome Aggregation Database (gnomAD). Loss of BRCA1 function is a known mechanism of disease. Based on the available evidence, this variant is classified as Pathogenic.

CeGaT Center for Human Genetics Tuebingen
Classification: Pathogenic. Last evaluated: 2024-05-01. Review status: criteria provided, single submitter. Criteria: CeGaT Center For Human Genetics Tuebingen Variant Classification Criteria Version 2. Collection method: clinical testing. Allele origin: germline. Affected: yes. Observed: 3 variant alleles. Not counted in ClinVar's aggregate classification.
Comment: BRCA1: PVS1, PM2, PS4:Moderate

Mayo Clinic Laboratories, Mayo Clinic
Classification: Pathogenic. Last evaluated: 2024-04-15. Review status: criteria provided, single submitter. Criteria: ACMG Guidelines, 2015. Collection method: clinical testing. Allele origin: germline. Observed: 1 variant allele. Not counted in ClinVar's aggregate classification.
Comment: PM2, PM5_strong, PVS1

Baylor Genetics
Classification: Pathogenic for Breast-ovarian cancer, familial, susceptibility to, 1. Last evaluated: 2024-02-19. Review status: criteria provided, single submitter. Criteria: ACMG Guidelines, 2015. Collection method: clinical testing. Allele origin: unknown. Not counted in ClinVar's aggregate classification.

Women's Health and Genetics/Laboratory Corporation of America, LabCorp
Classification: Pathogenic for Hereditary breast ovarian cancer syndrome. Last evaluated: 2022-03-29. Review status: criteria provided, single submitter. Criteria: LabCorp Variant Classification Summary - May 2015. Collection method: clinical testing. Allele origin: germline. Not counted in ClinVar's aggregate classification.
Comment: Variant summary: BRCA1 c.1480C>T (p.Gln494X) results in a premature termination codon, predicted to cause a truncation of the encoded protein or absence of the protein due to nonsense mediated decay, which are commonly known mechanisms for disease. Truncations downstream of this position have been classified as pathogenic by our laboratory. The variant was absent in 251190 control chromosomes. c.1480C>T has been reported in the literature in multiple individuals affected with Hereditary Breast And Ovarian Cancer Syndrome (example, Rebeck_2018). These data indicate that the variant is very likely to be associated with disease. Multiple clinical diagnostic laboratories, an expert panel (ENIGMA) and a consortium (CIMBA) have submitted clinical-significance assessments for this variant to ClinVar after 2014 without evidence for independent evaluation. All submitters classified the variant as pathogenic. Based on the evidence outlined above, the variant was classified as pathogenic.

GeneDx
Classification: Pathogenic. Last evaluated: 2022-02-28. Review status: criteria provided, single submitter. Criteria: GeneDx Variant Classification Process June 2021. Collection method: clinical testing. Allele origin: germline. Affected: yes. Not counted in ClinVar's aggregate classification.
Comment: Nonsense variant predicted to result in protein truncation or nonsense mediated decay in a gene for which loss-of-function is a known mechanism of disease; Truncating variants in this gene are considered pathogenic by a well-established clinical consortium and/or database; Not observed at significant frequency in large population cohorts (gnomAD); Also known as 1599C>T; This variant is associated with the following publications: (PMID: 25066507, 30430080, 26187060, 10866029, 26295337, 22798144, 16267036, 25863477, 28205045, 25256924, 29673794, 30702160, 32341426, 31825140, 30078507, 29446198, 25525159, Bahsi2020[case report], 33718561)

Institute of Medical Genetics and Applied Genomics, University Hospital Tübingen
Classification: Pathogenic. Last evaluated: 2020-10-23. Review status: criteria provided, single submitter. Criteria: ACMG Guidelines, 2015. Collection method: clinical testing. Allele origin: germline. Inheritance: Unknown mechanism. Affected: yes. Not counted in ClinVar's aggregate classification.

NM_007294.4(BRCA1):c.1480C>T (p.Gln494Ter)

Gene: BRCA1 (BRCA1 DNA repair associated; minus strand). Cytogenetic location: 17q21.31.
Variant type: single nucleotide variant.
Coding change: c.1480C>T on transcript NM_007294.4 (MANE Select); coding-DNA position 1480, C replaced by T.
Protein change: p.Gln494Ter; replaces glutamine 494 with a stop codon.
Molecular consequence: nonsense. On other transcripts: intron variant (137).
Genome position (GRCh38, 1-based): chr17:43,094,051, G>A on the plus strand (C>T on the coding strand, the complement: BRCA1 is on the minus strand). VCF-style: chr17-43094051-G-A. GRCh37 (hg19) VCF-style: chr17-41246068-G-A.
Other names: 1599C>T; c.1267C>T, p.Gln423Ter (NM_001407571.1, NM_001407894.1, NM_001407915.1 and 9 more transcripts); c.1480C>T, p.Gln494Ter (NM_001407581.1, NM_001407582.1, NM_001407583.1 and 30 more transcripts); c.1477C>T, p.Gln493Ter (NM_001407587.1, NM_001407590.1, NM_001407591.1 and 22 more transcripts); c.1402C>T, p.Gln468Ter (NM_001407656.1, NM_001407657.1, NM_001407658.1 and 4 more transcripts); c.1399C>T, p.Gln467Ter (NM_001407659.1, NM_001407660.1, NM_001407661.1 and 1 more transcripts); c.1357C>T, p.Gln453Ter (NM_001407664.1, NM_001407675.1, NM_001407676.1 and 19 more transcripts); c.1339C>T, p.Gln447Ter (NM_001407695.1, NM_001407696.1, NM_001407697.1 and 29 more transcripts); and 41 more; short protein forms Q494*, Q447*, Q326*, Q423*, Q426*, Q453*, Q198*, Q366*.
Identifiers: ClinVar variation 37415 (VCV000037415.61), dbSNP rs80357010, ClinGen allele CA000991.